The following is an entry in ClinVar:

NM_004656.4(BAP1):c.1311G>A (p.Leu437=)

Gene: BAP1 (BRCA1 associated deubiquitinase 1; minus strand). Cytogenetic location: 3p21.1.
Variant type: single nucleotide variant.
Coding change: c.1311G>A on transcript NM_004656.4 (MANE Select); coding-DNA position 1311, G replaced by A.
Protein change: p.Leu437=; no amino-acid change (leucine 437 retained).
Molecular consequence: synonymous variant.
Genome position (GRCh38, 1-based): chr3:52,403,834, C>T on the plus strand (G>A on the coding strand, the complement: BAP1 is on the minus strand). VCF-style: chr3-52403834-C-T. GRCh37 (hg19) VCF-style: chr3-52437850-C-T.
Other names: c.1257G>A, p.Leu419= (NM_001410772.1).
Identifiers: ClinVar variation 3379192 (VCV003379192.1).

ClinVar aggregate classification (germline): Benign (1 of 4 stars; one submission).

Conditions:
BAP1-related tumor predisposition syndrome (TPDS1). Also called: BAP1 tumor predisposition syndrome; Tumor susceptibility linked to germline BAP1 mutations; COMMON Syndrome; TUMOR PREDISPOSITION SYNDROME 1. Identifiers: Orphanet 289539, MedGen C3280492, MONDO:0013692, OMIM 614327.

gnomAD v4.1: 1 of 1,614,136 alleles (0.000062%); highest among the groups gnomAD compares: Non-Finnish European, 0.000085%; no homozygotes.

Submission:

Myriad Genetics, Inc.
Classification: Benign for BAP1-related tumor predisposition syndrome. Last evaluated: 2024-07-16. Review status: criteria provided, single submitter. Criteria: Myriad Autosomal Dominant, Autosomal Recessive and X-Linked Classification Criteria (2023). Collection method: clinical testing. Allele origin: unknown.
Comment: This variant is considered benign. This variant is a silent/synonymous amino acid change and it is not expected to impact splicing.